The following is an entry in ClinVar:

NM_007294.4(BRCA1):c.5407-25T>G

Gene: BRCA1 (BRCA1 DNA repair associated; minus strand). Cytogenetic location: 17q21.31.
Variant type: single nucleotide variant.
Coding change: c.5407-25T>G on transcript NM_007294.4 (MANE Select); 25 bases into the intron before coding-DNA position 5407, T replaced by G.
Molecular consequence: intron variant.
Genome position (GRCh38, 1-based): chr17:43,047,728, A>C on the plus strand (T>G on the coding strand, the complement: BRCA1 is on the minus strand). VCF-style: chr17-43047728-A-C. GRCh37 (hg19) VCF-style: chr17-41199745-A-C.
Other names: c.2089-25T>G (NM_001408406.1, NM_001408408.1, NM_001408407.1); c.5401-25T>G (NM_001407641.1, NM_001407629.1, NM_001407636.1 and 13 more transcripts); c.5404-25T>G (NM_001407624.1, NM_001407616.1, NM_001407612.1 and 14 more transcripts); c.5330-25T>G (NM_001407858.1, NM_001407859.1, NM_001407860.1); c.5470-25T>G (NM_007300.4, NM_001407583.1, NM_001407587.1 and 1 more transcripts); c.5473-25T>G (NM_001407581.1, NM_001407582.1); c.4900-25T>G (NM_001407965.1); c.5140-25T>G (NM_001407930.1, NM_001407933.1, NM_001407927.1 and 4 more transcripts); and 83 more.
Identifiers: ClinVar variation 3068345 (VCV003068345.1), dbSNP rs758780152, ClinGen allele CA2825002512.

ClinVar aggregate classification (germline): Uncertain significance (1 of 4 stars; one submission).

Conditions:
Breast-ovarian cancer, familial, susceptibility to, 1 (BROVCA1). Also called: BRCA1 Hereditary Breast and Ovarian Cancer; OVARIAN CANCER, SUSCEPTIBILITY TO. Identifiers: Orphanet 145, MedGen C2676676, MONDO:0011450, OMIM 604370. Disease mechanism: loss of function.

Submission:

MVZ Medizinische Genetik Mainz
Classification: Uncertain significance for Breast-ovarian cancer, familial, susceptibility to, 1. Last evaluated: 2023-06-14. Review status: criteria provided, single submitter. Criteria: UK Practice Guidelines For Variant Classification V4 01 2020. Collection method: clinical testing. Allele origin: germline. Inheritance: Autosomal dominant inheritance. Affected: yes. Observed: 1 variant allele.
Comment: ACMG Criteria: PM2_SUP_MOD,PP3